The following is an entry in ClinVar:

ClinVar aggregate classification (germline): Uncertain significance (0 of 4 stars; one submission).

Conditions:
PHACTR1-related disorder. Also called: PHACTR1-related condition.

Submission:

PreventionGenetics, part of Exact Sciences
Classification: Uncertain significance for PHACTR1-related condition. Last evaluated: 2024-08-09. Review status: no assertion criteria provided. Collection method: clinical testing. Allele origin: germline.
Comment: The PHACTR1 c.14C>G variant is predicted to result in the amino acid substitution p.Thr5Arg. To our knowledge, this variant has not been reported in the literature or in a large population database, indicating this variant is rare. At this time, the clinical significance of this variant is uncertain due to the absence of conclusive functional and genetic evidence.

NM_030948.6(PHACTR1):c.251-39465C>G

Gene: PHACTR1 (phosphatase and actin regulator 1; plus strand). Cytogenetic location: 6p24.1.
Variant type: single nucleotide variant.
Coding change: c.251-39465C>G on transcript NM_030948.6 (MANE Select); 39465 bases into the intron before coding-DNA position 251, C replaced by G.
Molecular consequence: intron variant. On other transcripts: missense variant (1).
Genome position (GRCh38, 1-based): chr6:13,013,900, C>G. VCF-style: chr6-13013900-C-G. GRCh37 (hg19) VCF-style: chr6-13014132-C-G.
Other names: c.14C>G, p.Thr5Arg (NM_001322314.4); c.251-39465C>G (NM_001242648.4, NM_001374581.2, NM_001322308.3 and 3 more transcripts); c.-26-39465C>G (NM_001322313.2, NM_001322312.3, NM_001322311.2 and 1 more transcripts); short protein forms T5R.
Identifiers: ClinVar variation 3355379 (VCV003355379.1).
Genomic context (GRCh38, chr6:13,013,900, plus strand): 5'-CGCGCGGGGGCCGGAGCAGCGCCCGGCCCCGGGCGCCCGGGGGCCGGATGGCGGAGCCCA[C>G]GCGCTCAGCGAAGCCGGGGAGGTTTGCGCTCCGTTCGCCGCGCTGCAGGGAGGGCGCGGT-3'